The following is an entry in ClinVar:

NM_006180.6(NTRK2):c.1117C>G (p.Gln373Glu)

Gene: NTRK2 (neurotrophic receptor tyrosine kinase 2; plus strand). Cytogenetic location: 9q21.33.
Variant type: single nucleotide variant.
Coding change: c.1117C>G on transcript NM_006180.6 (MANE Select); coding-DNA position 1117, C replaced by G.
Protein change: p.Gln373Glu; replaces glutamine 373 with glutamic acid.
Molecular consequence: missense variant.
Genome position (GRCh38, 1-based): chr9:84,727,917, C>G. VCF-style: chr9-84727917-C-G. GRCh37 (hg19) VCF-style: chr9-87342832-C-G.
Other names: c.1117C>G, p.Gln373Glu (NM_001007097.3, NM_001018064.3, NM_001018065.2 and 16 more transcripts); c.1078C>G, p.Gln360Glu (NM_001291937.2, NM_001369546.1); c.649C>G, p.Gln217Glu (NM_001369535.1, NM_001369536.1, NM_001369550.1 and 2 more transcripts); short protein forms Q217E, Q360E, Q373E.
Identifiers: ClinVar variation 1327317 (VCV001327317.2), dbSNP rs2132082637, ClinGen allele CA374009179.

ClinVar aggregate classification (germline): Uncertain significance (1 of 4 stars; one submission).

Allele frequency attached by ClinVar (database versions not stated): gnomAD exomes below 0.00001.
gnomAD v4.1: 1 of 1,614,138 alleles (0.000062%); highest among the groups gnomAD compares: Non-Finnish European, 0.000085%; no homozygotes.

Submission:

GeneDx
Classification: Uncertain significance. Last evaluated: 2021-11-30. Review status: criteria provided, single submitter. Criteria: GeneDx Variant Classification Process June 2021. Collection method: clinical testing. Allele origin: germline. Affected: yes.
Comment: Not observed in large population cohorts (Lek et al., 2016); In silico analysis supports that this missense variant does not alter protein structure/function; Has not been previously published as pathogenic or benign to our knowledge